The following is an entry in ClinVar:

ClinVar aggregate classification (germline): Uncertain significance. Review status: criteria provided, multiple submitters, no conflicts (2 of 4 stars). 3 submissions from 3 submitters: Uncertain significance (3). Last evaluated 2023-12-18.

Conditions:
Nephrolithiasis/nephrocalcinosis. Identifiers: MedGen CN580796.
Epilepsy, idiopathic generalized, susceptibility to, 8. Identifiers: MedGen C2752062, MONDO:0013032, OMIM 612899.
Neonatal severe primary hyperparathyroidism. Identifiers: Orphanet 417, MedGen C1832615, MONDO:0009397, OMIM 239200.
Familial hypocalciuric hypercalcemia 1. Also called: Hypercalcemia, familial benign type 1. Identifiers: Orphanet 405, Orphanet 93372, MedGen C0342637, MONDO:0007791, OMIM 145980.
Autosomal dominant hypocalcemia 1 (HYPOC1). Also called: HYPOCALCEMIA, FAMILIAL. Identifiers: MedGen C3715128, MONDO:0011013, OMIM 601198.
Familial hypocalciuric hypercalcemia (FHH). Also called: Familial benign hypercalcemia. Identifiers: Orphanet 405, MedGen C1809471, MONDO:0018458.

Allele frequency attached by ClinVar (database versions not stated): gnomAD exomes 0.00001.

Submissions (3):

Labcorp Genetics (formerly Invitae), Labcorp
Classification: Uncertain significance for Familial hypocalciuric hypercalcemia; Autosomal dominant hypocalcemia 1. Last evaluated: 2023-12-18. Review status: criteria provided, single submitter. Criteria: Invitae Variant Classification Sherloc (09022015). Collection method: clinical testing. Allele origin: germline.
Comment: This sequence change replaces histidine, which is basic and polar, with tyrosine, which is neutral and polar, at codon 994 of the CASR protein (p.His994Tyr). This variant is not present in population databases (gnomAD no frequency). This variant has not been reported in the literature in individuals affected with CASR-related conditions. ClinVar contains an entry for this variant (Variation ID: 571815). An algorithm developed to predict the effect of missense changes on protein structure and function (PolyPhen-2) suggests that this variant is likely to be tolerated. In summary, the available evidence is currently insufficient to determine the role of this variant in disease. Therefore, it has been classified as a Variant of Uncertain Significance.

Ambry Genetics
Classification: Uncertain significance for Nephrolithiasis/nephrocalcinosis. Last evaluated: 2023-10-18. Review status: criteria provided, single submitter. Criteria: Ambry Variant Classification Scheme 2023. Collection method: clinical testing. Allele origin: germline.
Comment: The p.H994Y variant (also known as c.2980C>T), located in coding exon 6 of the CASR gene, results from a C to T substitution at nucleotide position 2980. The histidine at codon 994 is replaced by tyrosine, an amino acid with similar properties. This amino acid position is not well conserved in available vertebrate species. In addition, the in silico prediction for this alteration is inconclusive. Since supporting evidence is limited at this time, the clinical significance of this alteration remains unclear.

Fulgent Genetics
Classification: Uncertain significance for Familial hypocalciuric hypercalcemia 1; Neonatal severe primary hyperparathyroidism; Autosomal dominant hypocalcemia 1; Epilepsy, idiopathic generalized, susceptibility to, 8. Last evaluated: 2021-11-19. Review status: criteria provided, single submitter. Criteria: ACMG Guidelines, 2015. Collection method: clinical testing. Allele origin: unknown.

NM_000388.4(CASR):c.2980C>T (p.His994Tyr)

Gene: CASR (calcium sensing receptor; plus strand). Cytogenetic location: 3q21.1.
Variant type: single nucleotide variant.
Coding change: c.2980C>T on transcript NM_000388.4 (MANE Select); coding-DNA position 2980, C replaced by T.
Protein change: p.His994Tyr; replaces histidine 994 with tyrosine.
Molecular consequence: missense variant.
Genome position (GRCh38, 1-based): chr3:122,284,934, C>T. VCF-style: chr3-122284934-C-T. GRCh37 (hg19) VCF-style: chr3-122003781-C-T.
Other names: c.3010C>T, p.His1004Tyr (NM_001178065.2); short protein forms H994Y, H1004Y.
Identifiers: ClinVar variation 571815 (VCV000571815.13), dbSNP rs1559969980, ClinGen allele CA354161192.